The following is an entry in ClinVar:

ClinVar aggregate classification (germline): Pathogenic. Review status: criteria provided, multiple submitters, no conflicts (2 of 4 stars). 2 submissions from 2 submitters: Pathogenic (2). Last evaluated 2024-10-01.

Allele frequency attached by ClinVar (database versions not stated): ExAC 0.00001.
gnomAD v4.1: 5 of 1,613,962 alleles (0.00031%); highest among the groups gnomAD compares: Middle Eastern, 0.017%; no homozygotes.

Submissions (2):

GeneDx
Classification: Pathogenic. Last evaluated: 2024-10-01. Review status: criteria provided, single submitter. Criteria: GeneDx Variant Classification Process June 2021. Collection method: clinical testing. Allele origin: germline. Affected: yes.
Comment: Not observed at significant frequency in large population cohorts (gnomAD); Canonical splice site variant predicted to result in an in-frame loss of the adjacent exon in a gene for which loss of function is a known mechanism of disease; This variant is associated with the following publications: (PMID: 23889335, 21671750)

Eurofins Ntd Llc (ga)
Classification: Pathogenic. Last evaluated: 2015-04-16. Review status: criteria provided, single submitter. Criteria: EGL Classification Definitions 2015. Collection method: clinical testing. Allele origin: germline. Observed: 1 variant allele, 1 heterozygote.

Literature cited by the submitters: PubMed 21671750 (cited by Eurofins Ntd Llc (ga)).

NM_194318.4(B3GLCT):c.1065-1G>A

Gene: B3GLCT (beta 3-glucosyltransferase; plus strand). Cytogenetic location: 13q12.3.
Variant type: single nucleotide variant.
Coding change: c.1065-1G>A on transcript NM_194318.4 (MANE Select); the canonical splice acceptor site of the intron before coding-DNA position 1065, G replaced by A.
Molecular consequence: splice acceptor variant.
Genome position (GRCh38, 1-based): chr13:31,317,565, G>A. VCF-style: chr13-31317565-G-A. GRCh37 (hg19) VCF-style: chr13-31891702-G-A.
Identifiers: ClinVar variation 194287 (VCV000194287.5), dbSNP rs371904655, ClinGen allele CA274995.